The following is an entry in ClinVar:

ClinVar aggregate classification (germline): Uncertain significance (1 of 4 stars; one submission).

Conditions:
Oligodontia-cancer predisposition syndrome. Also called: TOOTH AGENESIS-COLORECTAL CANCER SYNDROME. Identifiers: Orphanet 300576, MedGen C1837750, MONDO:0012075, OMIM 608615. Disease mechanism: loss of function.

Submission:

Labcorp Genetics (formerly Invitae), Labcorp
Classification: Uncertain significance for Oligodontia-cancer predisposition syndrome. Last evaluated: 2022-11-22. Review status: criteria provided, single submitter. Criteria: Invitae Variant Classification Sherloc (09022015). Collection method: clinical testing. Allele origin: germline.
Comment: In summary, the available evidence is currently insufficient to determine the role of this variant in disease. Therefore, it has been classified as a Variant of Uncertain Significance. Advanced modeling of protein sequence and biophysical properties (such as structural, functional, and spatial information, amino acid conservation, physicochemical variation, residue mobility, and thermodynamic stability) performed at Invitae indicates that this missense variant is expected to disrupt AXIN2 protein function. This variant has not been reported in the literature in individuals affected with AXIN2-related conditions. This variant is not present in population databases (gnomAD no frequency). This sequence change replaces glutamic acid, which is acidic and polar, with glutamine, which is neutral and polar, at codon 393 of the AXIN2 protein (p.Glu393Gln).

NM_004655.4(AXIN2):c.1177G>C (p.Glu393Gln)

Gene: AXIN2 (axin 2; minus strand). Cytogenetic location: 17q24.1.
Variant type: single nucleotide variant.
Coding change: c.1177G>C on transcript NM_004655.4 (MANE Select); coding-DNA position 1177, G replaced by C.
Protein change: p.Glu393Gln; replaces glutamic acid 393 with glutamine.
Molecular consequence: missense variant.
Genome position (GRCh38, 1-based): chr17:65,538,226, C>G on the plus strand (G>C on the coding strand, the complement: AXIN2 is on the minus strand). VCF-style: chr17-65538226-C-G. GRCh37 (hg19) VCF-style: chr17-63534344-C-G.
Other names: c.1177G>C, p.Glu393Gln (NM_001363813.1); short protein forms E393Q.
Identifiers: ClinVar variation 2120025 (VCV002120025.4), dbSNP rs1555578459, ClinGen allele CA400678197.
Genomic context (GRCh38, chr17:65,538,226, plus strand): 5'-GTGGACGGAAGCAGGAAGAAGGCCTAGGCCGCATTACCTCTCGGATCTGCTGCAGGCGCT[C>G]CTCCAGGCTGTGGCGGCTCTCCAACTCCAGCTTCAGCTTTTCCAGCCTCGAGATCAGCTC-3'
Protein context (NP_004646.3, residues 383-403): LELESRHSLE[Glu393Gln]RLQQIREDEE